The following is an entry in ClinVar:

NM_001065.4(TNFRSF1A):c.740T>C (p.Val247Ala)

Genes: TNFRSF1A (TNF receptor superfamily member 1A; minus strand), LOC130007232 (ATAC-STARR-seq lymphoblastoid active region 5847; plus strand). Cytogenetic location: 12p13.31.
Variant type: single nucleotide variant.
Coding change: c.740T>C on transcript NM_001065.4 (MANE Select); coding-DNA position 740, T replaced by C.
Protein change: p.Val247Ala; replaces valine 247 with alanine.
Molecular consequence: missense variant. On other transcripts: non-coding transcript variant (1).
Genome position (GRCh38, 1-based): chr12:6,330,295, A>G on the plus strand (T>C on the coding strand, the complement: TNFRSF1A is on the minus strand). VCF-style: chr12-6330295-A-G. GRCh37 (hg19) VCF-style: chr12-6439461-A-G.
Other names: c.416T>C, p.Val139Ala (NM_001346091.2); c.281T>C, p.Val94Ala (NM_001346092.2); short protein forms V247A, V139A, V94A.
Identifiers: ClinVar variation 1485182 (VCV001485182.8), dbSNP rs2136816306, ClinGen allele CA383546447.

ClinVar aggregate classification (germline): Uncertain significance (1 of 4 stars; one submission).

Conditions:
TNF receptor-associated periodic fever syndrome (TRAPS) (FPF). Also called: Autosomal Dominant Familial Periodic Fever; FAMILIAL HIBERNIAN FEVER; TNF RECEPTOR-ASSOCIATED PERIODIC SYNDROME; TUMOR NECROSIS FACTOR RECEPTOR-ASSOCIATED PERIODIC SYNDROME; TNF Receptor-Associated Periodic Fever Syndrome; TNF receptor 1-associated periodic fever syndrome. Identifiers: Orphanet 32960, MedGen C1275126, MONDO:0007727, OMIM 142680.

Allele frequency attached by ClinVar (database versions not stated): gnomAD exomes 0.00001.

Submission:

Labcorp Genetics (formerly Invitae), Labcorp
Classification: Uncertain significance for TNF receptor-associated periodic fever syndrome (TRAPS). Last evaluated: 2021-03-03. Review status: criteria provided, single submitter. Criteria: Invitae Variant Classification Sherloc (09022015). Collection method: clinical testing. Allele origin: germline.
Comment: In summary, the available evidence is currently insufficient to determine the role of this variant in disease. Therefore, it has been classified as a Variant of Uncertain Significance. This sequence change replaces valine with alanine at codon 247 of the TNFRSF1A protein (p.Val247Ala). The valine residue is weakly conserved and there is a small physicochemical difference between valine and alanine. This variant is not present in population databases (ExAC no frequency). This variant has not been reported in the literature in individuals with TNFRSF1A-related conditions. Algorithms developed to predict the effect of missense changes on protein structure and function (SIFT, PolyPhen-2, Align-GVGD) all suggest that this variant is likely to be tolerated, but these predictions have not been confirmed by published functional studies and their clinical significance is uncertain.